The following is an entry in ClinVar:

NM_001290060.2(SEMA3B):c.922C>G (p.Gln308Glu)

Gene: SEMA3B (semaphorin 3B; plus strand). Cytogenetic location: 3p21.31.
Variant type: single nucleotide variant.
Coding change: c.922C>G on transcript NM_001290060.2 (MANE Select); coding-DNA position 922, C replaced by G.
Protein change: p.Gln308Glu; replaces glutamine 308 with glutamic acid.
Molecular consequence: missense variant. On other transcripts: 5 prime UTR variant (2), non-coding transcript variant (1).
Genome position (GRCh38, 1-based): chr3:50,273,646, C>G. VCF-style: chr3-50273646-C-G. GRCh37 (hg19) VCF-style: chr3-50311077-C-G.
Other names: c.922C>G, p.Gln308Glu (NM_001005914.3, NM_001435956.1, NM_001435957.1 and 2 more transcripts); c.922C>G, p.Arg308Gly (NM_001290061.1); c.-105C>G (NM_001290062.2); c.-108C>G (NM_001290063.2); short protein forms Q308E, R308G.
Identifiers: ClinVar variation 4988449 (VCV004988449.1).

ClinVar aggregate classification (germline): Uncertain significance (1 of 4 stars; one submission).

Conditions:
SEMA3B-related disorder. Also called: SEMA3B-related condition.

gnomAD v4.1: 2 of 1,610,114 alleles (0.00012%); highest among the groups gnomAD compares: Non-Finnish European, 0.00017%; no homozygotes.

Submission:

PreventionGenetics, part of Exact Sciences
Classification: Uncertain significance for SEMA3B-related condition. Last evaluated: 2025-03-20. Review status: criteria provided, single submitter. Criteria: ACMG Guidelines, 2015. Collection method: clinical testing. Allele origin: germline.
Comment: The SEMA3B c.922C>G variant is predicted to result in the amino acid substitution p.Arg308Gly. This variant is also called c.922C>G (p.Gln308Glu) in other transcripts (NM_004636.3 and NM_001290060.1). To our knowledge, this variant has not been reported in the literature or in a large population database (gnomAD), indicating this variant is rare. At this time, the clinical significance of this variant is uncertain due to the absence of conclusive functional and genetic evidence.